The following is an entry in ClinVar:

NM_004415.4(DSP):c.5198A>C (p.Asp1733Ala)

Gene: DSP (desmoplakin; plus strand). Cytogenetic location: 6p24.3.
Variant type: single nucleotide variant.
Coding change: c.5198A>C on transcript NM_004415.4 (MANE Select); coding-DNA position 5198, A replaced by C.
Protein change: p.Asp1733Ala; replaces aspartic acid 1733 with alanine.
Molecular consequence: missense variant. On other transcripts: intron variant (2).
Genome position (GRCh38, 1-based): chr6:7,581,388, A>C. VCF-style: chr6-7581388-A-C. GRCh37 (hg19) VCF-style: chr6-7581621-A-C.
Other names: c.4050+1148A>C (NM_001319034.2); c.3583-1254A>C (NM_001008844.3); short protein forms D1733A.
Identifiers: ClinVar variation 3346715 (VCV003346715.3).

ClinVar aggregate classification (germline): Uncertain significance. Review status: criteria provided, multiple submitters, no conflicts (2 of 4 stars). 2 submissions from 2 submitters: Uncertain significance (2). Last evaluated 2025-02-06.

Conditions:
DSP-related disorder. Also called: DSP-related condition; DSP-related disorders.

Submissions (2):

PreventionGenetics, part of Exact Sciences
Classification: Uncertain significance for DSP-related condition. Last evaluated: 2025-02-06. Review status: criteria provided, single submitter. Criteria: ACMG Guidelines, 2015. Collection method: clinical testing. Allele origin: germline.
Comment: The DSP c.5198A>C variant is predicted to result in the amino acid substitution p.Asp1733Ala. To our knowledge, this variant has not been reported in the literature or in a large population database, indicating this variant is rare. At this time, the clinical significance of this variant is uncertain due to the absence of conclusive functional and genetic evidence.

Blueprint Genetics
Classification: Uncertain significance. Last evaluated: 2024-06-10. Review status: criteria provided, single submitter. Criteria: ACMG Guidelines, 2015. Collection method: clinical testing. Allele origin: germline.